The following is an entry in ClinVar:

NM_000094.4(COL7A1):c.6994C>T (p.Arg2332Ter)

Gene: COL7A1 (collagen type VII alpha 1 chain; minus strand). Cytogenetic location: 3p21.31.
Variant type: single nucleotide variant.
Coding change: c.6994C>T on transcript NM_000094.4 (MANE Select); coding-DNA position 6994, C replaced by T.
Protein change: p.Arg2332Ter; replaces arginine 2332 with a stop codon.
Molecular consequence: nonsense.
Genome position (GRCh38, 1-based): chr3:48,572,156, G>A on the plus strand (C>T on the coding strand, the complement: COL7A1 is on the minus strand). VCF-style: chr3-48572156-G-A. GRCh37 (hg19) VCF-style: chr3-48609589-G-A.
Other names: short protein forms R2332*.
Identifiers: ClinVar variation 947637 (VCV000947637.14), dbSNP rs765027608, ClinGen allele CA2378732.
Genomic context (GRCh38, chr3:48,572,156, plus strand): 5'-GTAGTCAGGCCCCAGGGCCAACCCACCTCACCTTCTCGCCTCGCGGCCCTGGCAGTCCTC[G>A]GTCACCTTTGGCTCCCTGTTGACAGAGGTCAGGAGGCAACACAGGCATCAGTCACAGAAA-3'

ClinVar aggregate classification (germline): Pathogenic. Review status: criteria provided, multiple submitters, no conflicts (2 of 4 stars). 6 submissions from 6 submitters: Pathogenic (3). 3 of the submissions do not count toward it. Last evaluated 2025-09-07.

Conditions:
Epidermolysis bullosa dystrophica. Also called: Dystrophic epidermolysis bullosa, Hallopeau-Siemens type (formerly); Dystrophic epidermolysis bullosa. Identifiers: Orphanet 303, MedGen C0079294, MONDO:0006543.
Epidermolysis bullosa pruriginosa. Also called: DEB, PRURIGINOSA; DYSTROPHIC EPIDERMOLYSIS BULLOSA PRURIGINOSA. Identifiers: Orphanet 89843, MedGen C1275114, MONDO:0011398, OMIM 604129.
Transient bullous dermolysis of the newborn (TBDN). Also called: EPIDERMOLYSIS BULLOSA DYSTROPHICA, NEONATAL FORM; DYSTROPHIC EPIDERMOLYSIS BULLOSA, NEONATAL. Identifiers: Orphanet 79411, MedGen C1851573, MONDO:0007548, OMIM 131705.
Generalized dominant dystrophic epidermolysis bullosa (DDEB). Also called: DDEB, generalized; DDEB-gen; DYSTROPHIC EPIDERMOLYSIS BULLOSA, AUTOSOMAL DOMINANT; Epidermolysis bullosa dystrophica, autosomal dominant; Dominant DEB (DDEB). Identifiers: Orphanet 231568, MedGen C0432322, MONDO:0007549, OMIM 131750.
Recessive dystrophic epidermolysis bullosa (RDEB). Also called: DYSTROPHIC EPIDERMOLYSIS BULLOSA, AUTOSOMAL RECESSIVE; EPIDERMOLYSIS BULLOSA DYSTROPHICA, HALLOPEAU-SIEMENS TYPE; severe generalized recessive dystrophic epidermolysis bullosa; Epidermolysis Bullosa Distrophica Autosomal Recessive (RDEB); EPIDERMOLYSIS BULLOSA DYSTROPHICA, GENERALIZED SEVERE, AUTOSOMAL RECESSIVE; epidermolysis bullosa dystrophica, autosomal recessive. Identifiers: Orphanet 79408, Orphanet 79409, MedGen C0079474, MONDO:0009179, OMIM 226600.
Pretibial dystrophic epidermolysis bullosa. Also called: EPIDERMOLYSIS BULLOSA DYSTROPHICA, PRETIBIAL; Pretibial epidermolysis bullosa; Pretibial blistering. Identifiers: Orphanet 79410, MedGen C0432321, MONDO:0007552, OMIM 131850, HP:0012221.
Dominant dystrophic epidermolysis bullosa with absence of skin. Also called: EPIDERMOLYSIS BULLOSA WITH CONGENITAL LOCALIZED ABSENCE OF SKIN AND DEFORMITY OF NAILS; EPIDERMOLYSIS BULLOSA DYSTROPHICA, BART TYPE. Identifiers: MedGen C0268371, MONDO:0007557, OMIM 132000.
Nonsyndromic congenital nail disorder 8. Also called: TOENAIL DYSTROPHY, ISOLATED. Identifiers: MedGen C1843761, MONDO:0011852, OMIM 607523.

Allele frequency attached by ClinVar (database versions not stated): gnomAD 0.00001; gnomAD exomes 0.00001; TOPMed 0.00001; ExAC 0.00001.
gnomAD v4.1: 12 of 1,613,908 alleles (0.00074%); highest among the groups gnomAD compares: South Asian, 0.0033%; no homozygotes.

Submissions (6):

Labcorp Genetics (formerly Invitae), Labcorp
Classification: Pathogenic. Last evaluated: 2025-09-07. Review status: criteria provided, single submitter. Criteria: Invitae Variant Classification Sherloc (09022015). Collection method: clinical testing. Allele origin: germline.
Comment: This sequence change creates a premature translational stop signal (p.Arg2332*) in the COL7A1 gene. It is expected to result in an absent or disrupted protein product. Loss-of-function variants in COL7A1 are known to be pathogenic (PMID: 16971478). This variant is present in population databases (rs765027608, gnomAD 0.003%). This premature translational stop signal has been observed in individuals with autosomal recessive dystrophic epidermolysis bullosa (PMID: 28830826, 33274474, 36287101). This variant has been reported in individual(s) with autosomal dominant dystrophic epidermolysis bullosa (PMID: 34046686); however, the role of the variant in this condition is currently unclear. ClinVar contains an entry for this variant (Variation ID: 947637). For these reasons, this variant has been classified as Pathogenic.

Fulgent Genetics
Classification: Pathogenic for Transient bullous dermolysis of the newborn; Generalized dominant dystrophic epidermolysis bullosa; Pretibial dystrophic epidermolysis bullosa; Dominant dystrophic epidermolysis bullosa with absence of skin; Recessive dystrophic epidermolysis bullosa; Epidermolysis bullosa pruriginosa; Nonsyndromic congenital nail disorder 8. Last evaluated: 2024-03-20. Review status: criteria provided, single submitter. Criteria: ACMG Guidelines, 2015. Collection method: clinical testing. Allele origin: germline.

Neuberg Centre For Genomic Medicine, NCGM
Classification: Pathogenic for Epidermolysis bullosa pruriginosa. Last evaluated: 2023-06-22. Review status: criteria provided, single submitter. Criteria: ACMG Guidelines, 2015. Collection method: clinical testing. Allele origin: germline. Inheritance: Autosomal recessive inheritance. Affected: yes.
Comment: The observed stop gained variant c.6994C>T(p.Arg2332Ter) in the COL7A1 gene has been reported previously in individuals affected with autosomal recessive and autosomal dominant dystrophic epidermolysis bullosa (Vahidnezhad H, et al., 2017; Yu Y, et al., 2021). This variant is absent in the gnomAD Exomes. It is submitted to ClinVar as Pathogenic. Computational evidence (MutationTaster - Disease causing) predicts damaging effect on protein structure and function for this variant. This variant is predicted to cause loss of normal protein function either through protein truncation or nonsense-mediated mRNA decay. Loss of function variants have been previously reported to be disease causing. For these reasons, this variant has been classified as Pathogenic.

Natera, Inc.
Classification: Pathogenic for Dystrophic epidermolysis bullosa. Last evaluated: 2020-11-10. Review status: no assertion criteria provided. Collection method: clinical testing. Allele origin: germline. Not counted in ClinVar's aggregate classification.

Diagnostic Laboratory, Department of Genetics, University Medical Center Groningen
Classification: Likely pathogenic. Review status: no assertion criteria provided. Collection method: clinical testing. Allele origin: germline. Affected: yes. Study: VKGL Data-share Consensus. Not counted in ClinVar's aggregate classification.

Joint Genome Diagnostic Labs from Nijmegen and Maastricht, Radboudumc and MUMC+
Classification: Pathogenic. Review status: no assertion criteria provided. Collection method: clinical testing. Allele origin: germline. Affected: yes. Study: VKGL Data-share Consensus. Not counted in ClinVar's aggregate classification.

Literature cited by the submitters: PubMed 16971478 (cited by Labcorp Genetics (formerly Invitae), Labcorp); PubMed 28830826 (cited by Labcorp Genetics (formerly Invitae), Labcorp); PubMed 33274474 (cited by Labcorp Genetics (formerly Invitae), Labcorp); PubMed 36287101 (cited by Labcorp Genetics (formerly Invitae), Labcorp); PubMed 34046686 (cited by Labcorp Genetics (formerly Invitae), Labcorp).